The following is an entry in ClinVar:

ClinVar aggregate classification (germline): Uncertain significance. Review status: reviewed by expert panel (3 of 4 stars). 3 submissions from 3 submitters: Uncertain significance (1). 2 of the submissions do not count toward it. Last evaluated 2026-03-17.

Conditions:
Glanzmann thrombasthenia. Also called: Glanzmann's thrombasthenia; THROMBASTHENIA OF GLANZMANN AND NAEGELI; PLATELET GLYCOPROTEIN IIb-IIIa DEFICIENCY; Thrombasthenia. Identifiers: Orphanet 849, MedGen C0040015, MONDO:0100326.

Allele frequency attached by ClinVar (database versions not stated): gnomAD 0.00001; TOPMed 0.00001.
gnomAD v4.1: 20 of 1,613,684 alleles (0.0012%); highest among the groups gnomAD compares: East Asian, 0.02%; no homozygotes.

Submissions (3):

ClinGen Platelet Disorders Variant Curation Expert Panel, ClinGen
Classification: Uncertain significance for Glanzmann thrombasthenia. Last evaluated: 2026-03-17. Review status: reviewed by expert panel. Criteria: ClinGen Platelet ACMG Specifications v2-1. Collection method: curation. Allele origin: germline. Inheritance: Autosomal recessive inheritance.
Comment: The NM_000212.3:c.2356C>T variant in ITGB3 predicts the missense change, Arg786Trp. The variant is reported in a compound heterozygous GT patient who has a GOF variant in trans with this variant (PMID: 29439184). The patient meets GT bleeding and laboratory phenotype criteria (PP4_moderate): Platelet aggregation was impaired in response to ADP and TRAP-6, but normal to ristocetin, with low-normal response to collagen (64 U; nv = 56-144). αIIbβ3 surface expression was reduced (CD41/CD42b 0.1 [nv = 0.43+-0.11], expression corrected for platelet volume), and PAC-1 binding induced by platelet stimulation impaired (33.6% with ADP [nv = 74.4+-22.3], 20.3% with TRAP-6 [nv = 80.1+-20.05]). The REVEL score (0.334) for this variant is low and does not meet PP3 (>0.7) or BP4 (>0.25) criteria. Functional evidence from transfection studies in CHO cells show that the variant does not affect αIIbβ3 expression or PAC-1 binding, but results in reduced CHO cell spreading (PMID: 29439184), not meeting criteria for PS3. The highest population minor allele frequency in gnomAD v4.1 is 0.0002006 (9/44874 alleles) in the East Asian genetic ancestry group, which is lower than the ClinGen PD VCEP threshold (>0.00158) for BS1 but higher than the threshold (<0.0001) for PM2_Supporting. In summary, this variant meets the criteria to be classified as uncertain significance for autosomal recessive Glanzmann Thrombasthenia based on the ACMG/AMP criteria applied, as specified by the ClinGen PD VCEP: PP4_moderate (PD VCEP specifications version 2.1).

Women's Health and Genetics/Laboratory Corporation of America, LabCorp
Classification: Uncertain significance. Last evaluated: 2024-12-05. Review status: criteria provided, single submitter. Criteria: LabCorp Variant Classification Summary - May 2015. Collection method: clinical testing. Allele origin: germline. Not counted in ClinVar's aggregate classification.
Comment: Variant summary: ITGB3 c.2356C>T (p.Arg786Trp) results in a non-conservative amino acid change located in the Integrin beta subunit, cytoplasmic domain (IPR014836) of the encoded protein sequence. Four of five in-silico tools predict a damaging effect of the variant on protein function. The variant was absent in 251422 control chromosomes (gnomAD). The available data on variant occurrences in the general population are insufficient to allow any conclusion about variant significance. c.2356C>T has been reported in the literature in at least an individual affected with clinical features of Glanzmann Thrombasthenia 2 (example: Bury_2018). These data do not allow any conclusion about variant significance. Expression studies in CHO cell line revealed that the variant resulted in impaired function (example: Bury_2018). The following publications have been ascertained in the context of this evaluation (PMID: 29439184, 28399723, 28748566, 37647632). ClinVar contains an entry for this variant (Variation ID: 996183). Based on the evidence outlined above, the variant was classified as uncertain significance.

Blueprint Genetics
Classification: Uncertain significance. Last evaluated: 2021-03-24. Review status: criteria provided, single submitter. Criteria: ACMG Guidelines, 2015. Collection method: clinical testing. Allele origin: germline. Not counted in ClinVar's aggregate classification.

Literature cited by the submitters: PubMed 28748566 (cited by Women's Health and Genetics/Laboratory Corporation of America, LabCorp); PubMed 28399723 (cited by Women's Health and Genetics/Laboratory Corporation of America, LabCorp); PubMed 37647632 (cited by Women's Health and Genetics/Laboratory Corporation of America, LabCorp); PubMed 29439184 (cited by Women's Health and Genetics/Laboratory Corporation of America, LabCorp).

NM_000212.3(ITGB3):c.2356C>T (p.Arg786Trp)

Genes: EFCAB13-DT (EFCAB13 divergent transcript; minus strand), ITGB3 (integrin subunit beta 3; plus strand). Cytogenetic location: 17q21.32.
Variant type: single nucleotide variant.
Coding change: c.2356C>T on transcript NM_000212.3 (MANE Select); coding-DNA position 2356, C replaced by T.
Protein change: p.Arg786Trp; replaces arginine 786 with tryptophan.
Molecular consequence: missense variant.
Genome position (GRCh38, 1-based): chr17:47,310,193, C>T. VCF-style: chr17-47310193-C-T. GRCh37 (hg19) VCF-style: chr17-45387559-C-T.
Other names: short protein forms R786W.
Identifiers: ClinVar variation 996183 (VCV000996183.6), dbSNP rs1377491769, ClinGen allele CA400034866.